The following is an entry in ClinVar:

NM_024854.5(PYROXD1):c.387A>T (p.Leu129Phe)

Gene: PYROXD1 (pyridine nucleotide-disulphide oxidoreductase domain 1; plus strand). Cytogenetic location: 12p12.1.
Variant type: single nucleotide variant.
Coding change: c.387A>T on transcript NM_024854.5 (MANE Select); coding-DNA position 387, A replaced by T.
Protein change: p.Leu129Phe; replaces leucine 129 with phenylalanine.
Molecular consequence: missense variant. On other transcripts: 5 prime UTR variant (1).
Genome position (GRCh38, 1-based): chr12:21,449,664, A>T. VCF-style: chr12-21449664-A-T. GRCh37 (hg19) VCF-style: chr12-21602598-A-T.
Other names: c.174A>T, p.Leu58Phe (NM_001350912.2); c.-317A>T (NM_001350913.2); c.387A>T (NM_024854.3); short protein forms L129F, L58F.
Identifiers: ClinVar variation 1384665 (VCV001384665.4), dbSNP rs145579021, ClinGen allele CA6478189.

ClinVar aggregate classification (germline): Uncertain significance. Review status: criteria provided, multiple submitters, no conflicts (2 of 4 stars). 2 submissions from 2 submitters: Uncertain significance (2). Last evaluated 2024-01-03.

Conditions:
Inborn genetic diseases. Identifiers: MedGen C0950123, MeSH D030342.

Allele frequency attached by ClinVar (database versions not stated): ExAC 0.00001; gnomAD exomes 0.00002 and 0.00004; ESP Exome Variant Server 0.00008.
gnomAD v4.1: 59 of 1,613,212 alleles (0.0037%); highest among the groups gnomAD compares: Non-Finnish European, 0.005%; no homozygotes.

Submissions (2):

Ambry Genetics
Classification: Uncertain significance for Inborn genetic diseases. Last evaluated: 2024-01-03. Review status: criteria provided, single submitter. Criteria: Ambry Variant Classification Scheme 2023. Collection method: clinical testing. Allele origin: germline.

Labcorp Genetics (formerly Invitae), Labcorp
Classification: Uncertain significance. Last evaluated: 2022-08-31. Review status: criteria provided, single submitter. Criteria: Invitae Variant Classification Sherloc (09022015). Collection method: clinical testing. Allele origin: germline.
Comment: This sequence change replaces leucine, which is neutral and non-polar, with phenylalanine, which is neutral and non-polar, at codon 129 of the PYROXD1 protein (p.Leu129Phe). This variant is present in population databases (rs145579021, gnomAD 0.004%). This variant has not been reported in the literature in individuals affected with PYROXD1-related conditions. ClinVar contains an entry for this variant (Variation ID: 1384665). Algorithms developed to predict the effect of missense changes on protein structure and function are either unavailable or do not agree on the potential impact of this missense change (SIFT: "Deleterious"; PolyPhen-2: "Possibly Damaging"; Align-GVGD: "Class C0"). In summary, the available evidence is currently insufficient to determine the role of this variant in disease. Therefore, it has been classified as a Variant of Uncertain Significance.